The following is an entry in ClinVar:

ClinVar aggregate classification (germline): Uncertain significance (1 of 4 stars; one submission).

Allele frequency attached by ClinVar (database versions not stated): gnomAD exomes below 0.00001.
gnomAD v4.1: 1 of 1,610,052 alleles (0.000062%); highest among the groups gnomAD compares: Non-Finnish European, 0.000085%; no homozygotes.

Submission:

Labcorp Genetics (formerly Invitae), Labcorp
Classification: Uncertain significance. Last evaluated: 2022-03-12. Review status: criteria provided, single submitter. Criteria: Invitae Variant Classification Sherloc (09022015). Collection method: clinical testing. Allele origin: germline.
Comment: Algorithms developed to predict the effect of sequence changes on RNA splicing suggest that this variant may disrupt the consensus splice site. This variant has not been reported in the literature in individuals affected with LRPPRC-related conditions. This variant is not present in population databases (gnomAD no frequency). This sequence change falls in intron 28 of the LRPPRC gene. It does not directly change the encoded amino acid sequence of the LRPPRC protein. In summary, the available evidence is currently insufficient to determine the role of this variant in disease. Therefore, it has been classified as a Variant of Uncertain Significance.

NM_133259.4(LRPPRC):c.3040-10T>A

Gene: LRPPRC (leucine rich pentatricopeptide repeat containing; minus strand). Cytogenetic location: 2p21.
Variant type: single nucleotide variant.
Coding change: c.3040-10T>A on transcript NM_133259.4 (MANE Select); 10 bases into the intron before coding-DNA position 3040, T replaced by A.
Molecular consequence: intron variant.
Genome position (GRCh38, 1-based): chr2:43,918,143, A>T on the plus strand (T>A on the coding strand, the complement: LRPPRC is on the minus strand). VCF-style: chr2-43918143-A-T. GRCh37 (hg19) VCF-style: chr2-44145282-A-T.
Identifiers: ClinVar variation 2109719 (VCV002109719.4), dbSNP rs2466450987, ClinGen allele CA2580066474.
Genomic context (GRCh38, chr2:43,918,143, plus strand): 5'-GGTTGAGGCTGACGAAGAATTCAGGGAATGTTTTTCATCTTCATACCACAACTTTAAAAC[A>T]AAGTTATTCTGTTAAATAAAAACTGGTAATCTTTTCAATATAAAAGTAGGCTAATCTATA-3'